The following is an entry in ClinVar:

ClinVar aggregate classification (germline): Likely pathogenic (1 of 4 stars; one submission).

Submission:

GeneDx
Classification: Likely pathogenic. Last evaluated: 2025-09-17. Review status: criteria provided, single submitter. Criteria: GeneDx Variant Classification Process June 2021. Collection method: clinical testing. Allele origin: germline. Affected: yes.
Comment: Reported previously as a de novo variant in a patient a developmental disorder; however, other de novo variants were also reported and no further clinical information was provided (PMID: 33057194); Not observed at significant frequency in large population cohorts (gnomAD); In silico analysis supports that this missense variant has a deleterious effect on protein structure/function; This variant is associated with the following publications: (PMID: 35982159, 33057194)

NM_013275.6(ANKRD11):c.7354C>T (p.Arg2452Cys)

Gene: ANKRD11 (ankyrin repeat domain containing 11; minus strand). Cytogenetic location: 16q24.3.
Variant type: single nucleotide variant.
Coding change: c.7354C>T on transcript NM_013275.6 (MANE Select); coding-DNA position 7354, C replaced by T.
Protein change: p.Arg2452Cys; replaces arginine 2452 with cysteine.
Molecular consequence: missense variant.
Genome position (GRCh38, 1-based): chr16:89,279,188, G>A on the plus strand (C>T on the coding strand, the complement: ANKRD11 is on the minus strand). VCF-style: chr16-89279188-G-A. GRCh37 (hg19) VCF-style: chr16-89345596-G-A.
Other names: c.7354C>T, p.Arg2452Cys (NM_001256182.2, NM_001256183.2); short protein forms R2452C.
Identifiers: ClinVar variation 422001 (VCV000422001.3), dbSNP rs1064795497, ClinGen allele CA16620303.